The following is an entry in ClinVar:

NM_001005273.3(CHD3):c.4345G>C (p.Glu1449Gln)

Gene: CHD3 (chromodomain helicase DNA binding protein 3; plus strand). Cytogenetic location: 17p13.1.
Variant type: single nucleotide variant.
Coding change: c.4345G>C on transcript NM_001005273.3 (MANE Select); coding-DNA position 4345, G replaced by C.
Protein change: p.Glu1449Gln; replaces glutamic acid 1449 with glutamine.
Molecular consequence: missense variant.
Genome position (GRCh38, 1-based): chr17:7,905,976, G>C. VCF-style: chr17-7905976-G-C. GRCh37 (hg19) VCF-style: chr17-7809294-G-C.
Other names: c.4522G>C, p.Glu1508Gln (NM_001005271.3); c.4345G>C, p.Glu1449Gln (NM_005852.4); short protein forms E1449Q, E1508Q.
Identifiers: ClinVar variation 1307395 (VCV001307395.4), dbSNP rs1970875545, ClinGen allele CA397945815.

ClinVar aggregate classification (germline): Uncertain significance. Review status: criteria provided, multiple submitters, no conflicts (2 of 4 stars). 2 submissions from 2 submitters: Uncertain significance (2). Last evaluated 2025-10-06.

Conditions:
CHD3-related disorder. Also called: CHD3-related condition.

Allele frequency attached by ClinVar (database versions not stated): TOPMed below 0.00001.

Submissions (2):

PreventionGenetics, part of Exact Sciences
Classification: Uncertain significance for CHD3-related condition. Last evaluated: 2025-10-06. Review status: criteria provided, single submitter. Criteria: ACMG Guidelines, 2015. Collection method: clinical testing. Allele origin: germline.
Comment: The CHD3 c.4522G>C variant is predicted to result in the amino acid substitution p.Glu1508Gln. To our knowledge, this variant has not been reported in the literature or in a large population database (gnomAD), indicating this variant is rare. At this time, the clinical significance of this variant is uncertain due to the absence of conclusive functional and genetic evidence.

GeneDx
Classification: Uncertain significance. Last evaluated: 2022-06-14. Review status: criteria provided, single submitter. Criteria: GeneDx Variant Classification Process June 2021. Collection method: clinical testing. Allele origin: germline. Affected: yes.
Comment: Not observed at significant frequency in large population cohorts (gnomAD); In silico analysis, which includes protein predictors and evolutionary conservation, supports a deleterious effect; Has not been previously published as pathogenic or benign to our knowledge